The following is an entry in ClinVar:

ClinVar aggregate classification (germline): Uncertain significance (1 of 4 stars; one submission).

Allele frequency attached by ClinVar (database versions not stated): gnomAD exomes below 0.00001.
gnomAD v4.1: 1 of 1,582,466 alleles (0.000063%); highest among the groups gnomAD compares: Middle Eastern, 0.017%; no homozygotes.

Submission:

Labcorp Genetics (formerly Invitae), Labcorp
Classification: Uncertain significance. Last evaluated: 2022-09-16. Review status: criteria provided, single submitter. Criteria: Invitae Variant Classification Sherloc (09022015). Collection method: clinical testing. Allele origin: germline.
Comment: This sequence change replaces histidine, which is basic and polar, with glutamine, which is neutral and polar, at codon 29 of the PIGB protein (p.His29Gln). This variant is not present in population databases (gnomAD no frequency). This variant has not been reported in the literature in individuals affected with PIGB-related conditions. Algorithms developed to predict the effect of missense changes on protein structure and function output the following: SIFT: "Tolerated"; PolyPhen-2: "Benign"; Align-GVGD: "Class C0". The glutamine amino acid residue is found in multiple mammalian species, which suggests that this missense change does not adversely affect protein function. In summary, the available evidence is currently insufficient to determine the role of this variant in disease. Therefore, it has been classified as a Variant of Uncertain Significance.

NM_004855.5(PIGB):c.87C>A (p.His29Gln)

Gene: PIGB (phosphatidylinositol glycan anchor biosynthesis class B; plus strand). Cytogenetic location: 15q21.3.
Variant type: single nucleotide variant.
Coding change: c.87C>A on transcript NM_004855.5 (MANE Select); coding-DNA position 87, C replaced by A.
Protein change: p.His29Gln; replaces histidine 29 with glutamine.
Molecular consequence: missense variant.
Genome position (GRCh38, 1-based): chr15:55,319,337, C>A. VCF-style: chr15-55319337-C-A. GRCh37 (hg19) VCF-style: chr15-55611535-C-A.
Other names: short protein forms H29Q.
Identifiers: ClinVar variation 2135505 (VCV002135505.4), dbSNP rs1041946184, ClinGen allele CA270774310.
Genomic context (GRCh38, chr15:55,319,337, plus strand): 5'-AATGGAGCCGGGGGGCGGAGATGCCAGCCTCACTTTGCATGGTCTCCAGAACCGCTCCCA[C>A]GGCAAGATAAAGCTGCGAAAGAGAAAGTCTACCTTGTACTTCAACACCCAGGAGAAGAGC-3'
Protein context (NP_004846.4, residues 19-39): LTLHGLQNRS[His29Gln]GKIKLRKRKS